The following is an entry in ClinVar:

ClinVar aggregate classification (germline): Pathogenic. Review status: reviewed by expert panel (3 of 4 stars). 2 submissions from 2 submitters: Pathogenic (1). 1 of the submissions does not count toward it. Last evaluated 2017-12-15.

Conditions:
Hereditary cancer-predisposing syndrome. Also called: Neoplastic Syndromes, Hereditary; Tumor predisposition; Hereditary neoplastic syndrome; Hereditary Cancer Syndrome. Identifiers: Orphanet 140162, MedGen C0027672, MeSH D009386, MONDO:0015356.
Breast-ovarian cancer, familial, susceptibility to, 2 (BROVCA2). Also called: BRCA2 Hereditary Breast and Ovarian Cancer. Identifiers: Orphanet 145, MedGen C2675520, MONDO:0012933, OMIM 612555. Disease mechanism: loss of function.

Submissions (2):

Evidence-based Network for the Interpretation of Germline Mutant Alleles (ENIGMA)
Classification: Pathogenic for Breast-ovarian cancer, familial, susceptibility to, 2. Last evaluated: 2017-12-15. Review status: reviewed by expert panel. Criteria: ENIGMA BRCA1/2 Classification Criteria (2017-06-29). Collection method: curation. Allele origin: germline. Study: ENIGMA.
Comment: Variant allele predicted to encode a truncated non-functional protein.

Ambry Genetics
Classification: Pathogenic for Hereditary cancer-predisposing syndrome. Last evaluated: 2026-01-20. Review status: criteria provided, single submitter. Criteria: Ambry Variant Classification Scheme 2023. Collection method: clinical testing. Allele origin: germline. Not counted in ClinVar's aggregate classification.
Comment: The c.8374_8384del11insAGG pathogenic mutation, located in coding exon 18 of the BRCA2 gene, results from the deletion of 11 nucleotides and insertion of 3 nucleotides causing a translational frameshift with a predicted alternate stop codon (p.L2792Rfs*3). This variant is considered to be rare based on population cohorts in the Genome Aggregation Database (gnomAD). This alteration is expected to result in loss of function by premature protein truncation or nonsense-mediated mRNA decay. As such, this alteration is interpreted as a disease-causing mutation.

Literature cited by the submitters: PubMed 19949876 (cited by Ambry Genetics).

NM_000059.4(BRCA2):c.8374_8384delinsAGG (p.Leu2792fs)

Gene: BRCA2 (BRCA2 DNA repair associated; plus strand). Cytogenetic location: 13q13.1.
Variant type: Indel.
Coding change: c.8374_8384delinsAGG on transcript NM_000059.4 (MANE Select); coding-DNA positions 8374 to 8384, CTTGGATTCTT replaced by AGG.
Protein change: p.Leu2792fs; shifts the reading frame from leucine 2792.
Molecular consequence: frameshift variant.
Genome position (GRCh38, 1-based): chr13:32,370,444-32,370,454, CTTGGATTCTT replaced by AGG. VCF-style: chr13-32370444-CTTGGATTCTT-AGG. GRCh37 (hg19) VCF-style: chr13-32944581-CTTGGATTCTT-AGG.
Other names: c.8374_8384delCTTGGATTCTTinsAGG (NM_000059.3); short protein forms L2792fs.
Identifiers: ClinVar variation 441402 (VCV000441402.8), dbSNP rs886040766, ClinGen allele CA658653814.